The following is an entry in ClinVar:

NM_000051.4(ATM):c.764G>A (p.Gly255Glu)

Gene: ATM (ATM serine/threonine kinase; plus strand). Cytogenetic location: 11q22.3.
Variant type: single nucleotide variant.
Coding change: c.764G>A on transcript NM_000051.4 (MANE Select); coding-DNA position 764, G replaced by A.
Protein change: p.Gly255Glu; replaces glycine 255 with glutamic acid.
Molecular consequence: missense variant.
Genome position (GRCh38, 1-based): chr11:108,244,889, G>A. VCF-style: chr11-108244889-G-A. GRCh37 (hg19) VCF-style: chr11-108115616-G-A.
Other names: c.764G>A, p.Gly255Glu (NM_001351834.2); short protein forms G255E.
Identifiers: ClinVar variation 1332000 (VCV001332000.6), dbSNP rs2135240183, ClinGen allele CA382529298.

ClinVar aggregate classification (germline): Uncertain significance. Review status: criteria provided, multiple submitters, no conflicts (2 of 4 stars). 3 submissions from 3 submitters: Uncertain significance (3). Last evaluated 2025-08-30.

Conditions:
Ataxia-telangiectasia syndrome (AT). Also called: LOUIS-BAR SYNDROME; Cerebello-oculocutaneous telangiectasia; Immunodeficiency with ataxia telangiectasia; Ataxia-telangiectasia, complementation group D; AT, COMPLEMENTATION GROUP C; ATAXIA-TELANGIECTASIA, COMPLEMENTATION GROUP A. Identifiers: Orphanet 100, MedGen C0004135, MONDO:0008840, OMIM 208900.
Hereditary cancer-predisposing syndrome. Also called: Hereditary Cancer Syndrome; Hereditary neoplastic syndrome; Neoplastic Syndromes, Hereditary; Tumor predisposition. Identifiers: Orphanet 140162, MedGen C0027672, MeSH D009386, MONDO:0015356.

Submissions (3):

Labcorp Genetics (formerly Invitae), Labcorp
Classification: Uncertain significance for Ataxia-telangiectasia syndrome. Last evaluated: 2025-08-30. Review status: criteria provided, single submitter. Criteria: Invitae Variant Classification Sherloc (09022015). Collection method: clinical testing. Allele origin: germline.
Comment: This sequence change replaces glycine, which is neutral and non-polar, with glutamic acid, which is acidic and polar, at codon 255 of the ATM protein (p.Gly255Glu). This variant is not present in population databases (gnomAD no frequency). This variant has not been reported in the literature in individuals affected with ATM-related conditions. ClinVar contains an entry for this variant (Variation ID: 1332000). Invitae Evidence Modeling of protein sequence and biophysical properties (such as structural, functional, and spatial information, amino acid conservation, physicochemical variation, residue mobility, and thermodynamic stability) indicates that this missense variant is not expected to disrupt ATM protein function with a negative predictive value of 95%. In summary, the available evidence is currently insufficient to determine the role of this variant in disease. Therefore, it has been classified as a Variant of Uncertain Significance.

Color Diagnostics, LLC DBA Color Health
Classification: Uncertain significance for Hereditary cancer-predisposing syndrome. Last evaluated: 2021-04-20. Review status: criteria provided, single submitter. Criteria: ACMG Guidelines, 2015. Collection method: clinical testing. Allele origin: germline.
Comment: This missense variant replaces glycine with glutamic acid at codon 255 of the ATM protein. Computational prediction suggests that this variant may not impact protein structure and function (internally defined REVEL score threshold <= 0.5, PMID: 27666373). To our knowledge, functional studies have not been reported for this variant. This variant has not been reported in individuals affected with hereditary cancer in the literature. This variant has not been identified in the general population by the Genome Aggregation Database (gnomAD). The available evidence is insufficient to determine the role of this variant in disease conclusively. Therefore, this variant is classified as a Variant of Uncertain Significance.

Ambry Genetics
Classification: Uncertain significance for Hereditary cancer-predisposing syndrome. Last evaluated: 2020-12-29. Review status: criteria provided, single submitter. Criteria: Ambry Variant Classification Scheme 2023. Collection method: clinical testing. Allele origin: germline.
Comment: The p.G255E variant (also known as c.764G>A), located in coding exon 6 of the ATM gene, results from a G to A substitution at nucleotide position 764. The glycine at codon 255 is replaced by glutamic acid, an amino acid with similar properties. This amino acid position is well conserved in available vertebrate species. In addition, the in silico prediction for this alteration is inconclusive. Since supporting evidence is limited at this time, the clinical significance of this alteration remains unclear.